The following is an entry in ClinVar:

NM_001354768.3(NRL):c.62T>C (p.Phe21Ser)

Gene: NRL (neural retina leucine zipper; minus strand). Cytogenetic location: 14q11.2.
Variant type: single nucleotide variant.
Coding change: c.62T>C on transcript NM_001354768.3 (MANE Select); coding-DNA position 62, T replaced by C.
Protein change: p.Phe21Ser; replaces phenylalanine 21 with serine.
Molecular consequence: missense variant.
Genome position (GRCh38, 1-based): chr14:24,082,787, A>G on the plus strand (T>C on the coding strand, the complement: NRL is on the minus strand). VCF-style: chr14-24082787-A-G. GRCh37 (hg19) VCF-style: chr14-24551996-A-G.
Other names: c.62T>C, p.Phe21Ser (NM_001354770.2, NM_006177.5, NM_001354769.1); c.62T>C (NM_006177.3); short protein forms F21S.
Identifiers: ClinVar variation 1044163 (VCV001044163.9), dbSNP rs147913591, ClinGen allele CA7122934.

ClinVar aggregate classification (germline): Uncertain significance. Review status: criteria provided, multiple submitters, no conflicts (2 of 4 stars). 2 submissions from 2 submitters: Uncertain significance (2). Last evaluated 2025-10-29.

Conditions:
NRL-related disorder. Also called: NRL-related condition.

Allele frequency attached by ClinVar (database versions not stated): TOPMed 0.00001; ExAC 0.00002; ESP Exome Variant Server 0.00008; gnomAD 0.00001; gnomAD exomes 0.00001.
gnomAD v4.1: 16 of 1,614,036 alleles (0.00099%); highest among the groups gnomAD compares: African/African-American, 0.0027%; no homozygotes.

Submissions (2):

PreventionGenetics, part of Exact Sciences
Classification: Uncertain significance for NRL-related condition. Last evaluated: 2025-10-29. Review status: criteria provided, single submitter. Criteria: ACMG Guidelines, 2015. Collection method: clinical testing. Allele origin: germline.
Comment: The NRL c.62T>C variant is predicted to result in the amino acid substitution p.Phe21Ser. To our knowledge, this variant has not been reported in the literature. This variant is reported in 0.0018% of alleles in individuals of European (Non-Finnish) descent in gnomAD. At this time, the clinical significance of this variant is uncertain due to the absence of conclusive functional and genetic evidence.

Labcorp Genetics (formerly Invitae), Labcorp
Classification: Uncertain significance. Last evaluated: 2024-03-10. Review status: criteria provided, single submitter. Criteria: Invitae Variant Classification Sherloc (09022015). Collection method: clinical testing. Allele origin: germline.
Comment: This sequence change replaces phenylalanine, which is neutral and non-polar, with serine, which is neutral and polar, at codon 21 of the NRL protein (p.Phe21Ser). This variant is present in population databases (rs147913591, gnomAD 0.003%). This variant has not been reported in the literature in individuals affected with NRL-related conditions. ClinVar contains an entry for this variant (Variation ID: 1044163). An algorithm developed to predict the effect of missense changes on protein structure and function (PolyPhen-2) suggests that this variant is likely to be disruptive. In summary, the available evidence is currently insufficient to determine the role of this variant in disease. Therefore, it has been classified as a Variant of Uncertain Significance.